The following is an entry in ClinVar:

NM_203446.3(SYNJ1):c.434C>T (p.Ala145Val)

Gene: SYNJ1 (synaptojanin 1; minus strand). Cytogenetic location: 21q22.11.
Variant type: single nucleotide variant.
Coding change: c.434C>T on transcript NM_203446.3 (MANE Select); coding-DNA position 434, C replaced by T.
Protein change: p.Ala145Val; replaces alanine 145 with valine.
Molecular consequence: missense variant.
Genome position (GRCh38, 1-based): chr21:32,699,883, G>A on the plus strand (C>T on the coding strand, the complement: SYNJ1 is on the minus strand). VCF-style: chr21-32699883-G-A. GRCh37 (hg19) VCF-style: chr21-34072193-G-A.
Other names: c.434C>T, p.Ala145Val (NM_001160302.2, NM_001160306.2); c.551C>T, p.Ala184Val (NM_003895.4); short protein forms A184V, A145V.
Identifiers: ClinVar variation 944403 (VCV000944403.9), dbSNP rs111886678, ClinGen allele CA10004142.
Genomic context (GRCh38, chr21:32,699,883, plus strand): 5'-AAAAAATGAACTCACCAGAAAAATCTATTATCAGTTGTCTGTTCTTGCATGCTACGATGC[G>A]CATTAAGACTCAAATCTAAACTGATGCCAGATGCAGACCATGCAAAATAAAAGTTTCCTG-3'
Protein context (NP_982271.3, residues 135-155): SGISLDLSLN[Ala145Val]HRSMQEQTTD

ClinVar aggregate classification (germline): Uncertain significance (1 of 4 stars; one submission).

Conditions:
Early-onset Parkinson disease 20. Also called: PARKINSON DISEASE 20, AUTOSOMAL RECESSIVE EARLY-ONSET. Identifiers: Orphanet 391411, MedGen C3809824, MONDO:0014233, OMIM 615530.
Developmental and epileptic encephalopathy, 53. Also called: Epileptic encephalopathy, early infantile, 53. Identifiers: MedGen C4479313, MONDO:0033362, OMIM 617389.

Allele frequency attached by ClinVar (database versions not stated): gnomAD exomes 0.00001; TOPMed 0.00001; ExAC 0.00002.
gnomAD v4.1: 10 of 1,614,060 alleles (0.00062%); highest among the groups gnomAD compares: Admixed American, 0.005%; no homozygotes.

Submission:

Labcorp Genetics (formerly Invitae), Labcorp
Classification: Uncertain significance for Developmental and epileptic encephalopathy, 53; Early-onset Parkinson disease 20. Last evaluated: 2024-06-03. Review status: criteria provided, single submitter. Criteria: Invitae Variant Classification Sherloc (09022015). Collection method: clinical testing. Allele origin: germline.
Comment: This sequence change replaces alanine, which is neutral and non-polar, with valine, which is neutral and non-polar, at codon 184 of the SYNJ1 protein (p.Ala184Val). This variant is present in population databases (rs111886678, gnomAD 0.009%). This variant has not been reported in the literature in individuals affected with SYNJ1-related conditions. ClinVar contains an entry for this variant (Variation ID: 944403). Advanced modeling of protein sequence and biophysical properties (such as structural, functional, and spatial information, amino acid conservation, physicochemical variation, residue mobility, and thermodynamic stability) performed at Invitae indicates that this missense variant is not expected to disrupt SYNJ1 protein function with a negative predictive value of 80%. In summary, the available evidence is currently insufficient to determine the role of this variant in disease. Therefore, it has been classified as a Variant of Uncertain Significance.